The following is an entry in ClinVar:

ClinVar aggregate classification (germline): Uncertain significance. Review status: criteria provided, multiple submitters, no conflicts (2 of 4 stars). 5 submissions from 5 submitters: Uncertain significance (5). Last evaluated 2025-09-29.

Conditions:
Hereditary cancer-predisposing syndrome. Also called: Hereditary Cancer Syndrome; Hereditary neoplastic syndrome; Tumor predisposition; Neoplastic Syndromes, Hereditary. Identifiers: Orphanet 140162, MedGen C0027672, MeSH D009386, MONDO:0015356.
Familial adenomatous polyposis 1 (FAP1). Also called: FAMILIAL ADENOMATOUS POLYPOSIS 1, ATTENUATED; POLYPOSIS, ADENOMATOUS INTESTINAL. Identifiers: MedGen C2713442, MONDO:0021056, OMIM 175100. Disease mechanism: loss of function.

Allele frequency attached by ClinVar (database versions not stated): gnomAD exomes below 0.00001 and 0.00001; TOPMed 0.00001.
gnomAD v4.1: 10 of 1,614,136 alleles (0.00062%); highest among the groups gnomAD compares: Non-Finnish European, 0.00076%; no homozygotes.

Submissions (5):

Labcorp Genetics (formerly Invitae), Labcorp
Classification: Uncertain significance for Familial adenomatous polyposis 1. Last evaluated: 2025-09-29. Review status: criteria provided, single submitter. Criteria: Invitae Variant Classification Sherloc (09022015). Collection method: clinical testing. Allele origin: germline.
Comment: This sequence change replaces proline, which is neutral and non-polar, with alanine, which is neutral and non-polar, at codon 1634 of the APC protein (p.Pro1634Ala). This variant is present in population databases (rs587779795, gnomAD no frequency). This variant has not been reported in the literature in individuals affected with APC-related conditions. ClinVar contains an entry for this variant (Variation ID: 127300). Invitae Evidence Modeling of protein sequence and biophysical properties (such as structural, functional, and spatial information, amino acid conservation, physicochemical variation, residue mobility, and thermodynamic stability) indicates that this missense variant is not expected to disrupt APC protein function with a negative predictive value of 95%. In summary, the available evidence is currently insufficient to determine the role of this variant in disease. Therefore, it has been classified as a Variant of Uncertain Significance.

Ambry Genetics
Classification: Uncertain significance for Hereditary cancer-predisposing syndrome. Last evaluated: 2025-09-23. Review status: criteria provided, single submitter. Criteria: Ambry Variant Classification Scheme 2023. Collection method: clinical testing. Allele origin: germline.
Comment: The p.P1634A variant (also known as c.4900C>G), located in coding exon 15 of the APC gene, results from a C to G substitution at nucleotide position 4900. The proline at codon 1634 is replaced by alanine, an amino acid with highly similar properties. This amino acid position is well conserved in available vertebrate species. In addition, in silico predictors for this gene do not accurately predict pathogenicity. Since supporting evidence is limited at this time, the clinical significance of this alteration remains unclear.

Baylor Genetics
Classification: Uncertain significance for Familial adenomatous polyposis 1. Last evaluated: 2023-12-22. Review status: criteria provided, single submitter. Criteria: ACMG Guidelines, 2015. Collection method: clinical testing. Allele origin: unknown.

Color Diagnostics, LLC DBA Color Health
Classification: Uncertain significance for Hereditary cancer-predisposing syndrome. Last evaluated: 2023-12-05. Review status: criteria provided, single submitter. Criteria: ACMG Guidelines, 2015. Collection method: clinical testing. Allele origin: germline.
Comment: This missense variant replaces proline with alanine at codon 1634 of the APC protein. Computational prediction suggests that this variant may not impact protein structure and function (internally defined REVEL score threshold <= 0.5, PMID: 27666373). To our knowledge, functional studies have not been reported for this variant. This variant has not been reported in individuals affected with APC-related disorders in the literature. This variant has been identified in 1/251204 chromosomes in the general population by the Genome Aggregation Database (gnomAD). The available evidence is insufficient to determine the role of this variant in disease conclusively. Therefore, this variant is classified as a Variant of Uncertain Significance.

GeneDx
Classification: Uncertain significance. Last evaluated: 2017-12-18. Review status: criteria provided, single submitter. Criteria: GeneDx Variant Classification (06012015). Collection method: clinical testing. Allele origin: germline. Affected: yes.
Comment: This variant is denoted APC c.4900C>G at the cDNA level, p.Pro1634Ala (P1634A) at the protein level, and results in the change of a Proline to an Alanine (CCG>GCG). This variant has not, to our knowledge, been published in the literature as pathogenic or benign. APC Pro1634Ala was not observed at a significant allele frequency in large population cohorts (Lek 2016). Since Proline and Alanine differ in some properties, this is considered a semi-conservative amino acid substitution. APC Pro1634Ala is located within the 20 amino acid repeat beta-catenin down-regulating domain and the SAMP repeats/axin binding domain (Azzopardi 2008). In-silico analysis, which includes protein predictors and evolutionary conservation, supports that this variant does not alter protein structure/function. Based on currently available evidence, it is unclear whether APC Pro1634Ala is a pathogenic or benign variant. We consider it to be a variant of uncertain significance.

NM_000038.6(APC):c.4900C>G (p.Pro1634Ala)

Gene: APC (APC regulator of Wnt signaling pathway; plus strand). Cytogenetic location: 5q22.2.
Variant type: single nucleotide variant.
Coding change: c.4900C>G on transcript NM_000038.6 (MANE Select); coding-DNA position 4900, C replaced by G.
Protein change: p.Pro1634Ala; replaces proline 1634 with alanine.
Molecular consequence: missense variant.
Genome position (GRCh38, 1-based): chr5:112,840,494, C>G. VCF-style: chr5-112840494-C-G. GRCh37 (hg19) VCF-style: chr5-112176191-C-G.
Other names: p.P1634A:CCG>GCG; c.4900C>G, p.Pro1634Ala (NM_001127510.3, NM_001354895.2); c.4846C>G, p.Pro1616Ala (NM_001127511.3); c.4954C>G, p.Pro1652Ala (NM_001354896.2); c.4930C>G, p.Pro1644Ala (NM_001354897.2); c.4825C>G, p.Pro1609Ala (NM_001354898.2); c.4816C>G, p.Pro1606Ala (NM_001354899.2); c.4777C>G, p.Pro1593Ala (NM_001354900.2); and 6 more; short protein forms P1634A, P1616A, P1351A, P1606A, P1644A, P1474A, P1593A, P1508A.
Identifiers: ClinVar variation 127300 (VCV000127300.20), dbSNP rs587779795, ClinGen allele CA009785.